The following is an entry in ClinVar:

NM_001267550.2(TTN):c.80170G>A (p.Glu26724Lys)

Genes: TTN-AS1 (TTN antisense RNA 1; plus strand), TTN (titin; minus strand). Cytogenetic location: 2q31.2.
Variant type: single nucleotide variant.
Coding change: c.80170G>A on transcript NM_001267550.2 (MANE Select); coding-DNA position 80170, G replaced by A.
Protein change: p.Glu26724Lys; replaces glutamic acid 26724 with lysine.
Molecular consequence: missense variant.
Genome position (GRCh38, 1-based): chr2:178,565,962, C>T on the plus strand (G>A on the coding strand, the complement: TTN is on the minus strand). VCF-style: chr2-178565962-C-T. GRCh37 (hg19) VCF-style: chr2-179430689-C-T.
Other names: c.75247G>A, p.Glu25083Lys (NM_001256850.1); c.52975G>A, p.Glu17659Lys (NM_003319.4); c.72466G>A, p.Glu24156Lys (NM_133378.4); c.53350G>A, p.Glu17784Lys (NM_133432.3); c.53551G>A, p.Glu17851Lys (NM_133437.4); short protein forms E26724K, E17851K, E25083K, E17659K, E24156K, E17784K.
Identifiers: ClinVar variation 582820 (VCV000582820.3), dbSNP rs367812761, ClinGen allele CA60989352.
Genomic context (GRCh38, chr2:178,565,962, plus strand): 5'-CTTTAAAACTTGTTTTGCTGCATTTACTACTCACATTAGCATACGCTTTTCTGGTTGACT[C>T]ACGTTTGTCAATCACATAGTTCTTGACCTTTGCCCCTCCATCAATGATGGGTGGCTCCCA-3'
Protein context (NP_001254479.2, residues 26714-26734): KVKNYVIDKR[Glu26724Lys]STRKAYANVS

ClinVar aggregate classification (germline): Uncertain significance (1 of 4 stars; one submission).

Conditions:
Autosomal recessive limb-girdle muscular dystrophy type 2J (LGMDR10). Also called: Limb-girdle muscular dystrophy, type 2J; MUSCULAR DYSTROPHY, LIMB-GIRDLE, AUTOSOMAL RECESSIVE 10. Identifiers: Orphanet 140922, MedGen C1837342, MONDO:0012127, OMIM 608807.
Dilated cardiomyopathy 1G (CMD1G). Identifiers: Orphanet 154, MedGen C1858763, MONDO:0011400, OMIM 604145.

Allele frequency attached by ClinVar (database versions not stated): gnomAD exomes below 0.00001; gnomAD 0.00001; TOPMed 0.00002; ESP Exome Variant Server 0.00008.
gnomAD v4.1: 3 of 1,613,528 alleles (0.00019%); highest among the groups gnomAD compares: Non-Finnish European, 0.00025%; no homozygotes.

Submission:

Labcorp Genetics (formerly Invitae), Labcorp
Classification: Uncertain significance for Dilated cardiomyopathy 1G; Autosomal recessive limb-girdle muscular dystrophy type 2J. Last evaluated: 2018-06-11. Review status: criteria provided, single submitter. Criteria: Invitae Variant Classification Sherloc (09022015). Collection method: clinical testing. Allele origin: germline.
Comment: This sequence change replaces glutamic acid with lysine at codon 26724 of the TTN protein (p.Glu26724Lys). There is a small physicochemical difference between glutamic acid and lysine. This variant is not present in population databases (ExAC no frequency). This variant has not been reported in the literature in individuals with TTN-related disease.¬†This variant is located in the A band of TTN (PMID: 25589632). Variants in this region may be relevant for cardiac or neuromuscular disorders (PMID: 25589632, 23975875). Algorithms developed to predict the effect of missense changes on protein structure and function are unavailable for the TTN gene. In summary, the available evidence is currently insufficient to determine the role of this variant in disease. Therefore, it has been classified as a Variant of Uncertain Significance.

Literature cited by the submitters: PubMed 25589632; PubMed 23975875.